The following is an entry in ClinVar:

ClinVar aggregate classification (germline): Likely benign (1 of 4 stars; one submission).

Conditions:
EPILEPSY, CHILDHOOD ABSENCE, SUSCEPTIBILITY TO, 2 (ECA2). Identifiers: Orphanet 64280, MedGen C1843244, OMIM 607681.

Allele frequency attached by ClinVar (database versions not stated): TOPMed 0.00020; gnomAD 0.00035; 1000 Genomes Project 0.00040; 1000 Genomes Project 30x 0.00047.

Submission:

Illumina Laboratory Services, Illumina
Classification: Likely benign for Febrile seizures, familial, 8. Last evaluated: 2018-01-12. Review status: criteria provided, single submitter. Criteria: ICSL Variant Classification Criteria 13 December 2019. Collection method: clinical testing. Allele origin: germline.
Comment: This variant was observed in the ICSL laboratory as part of a predisposition screen in an ostensibly healthy population. It had not been previously curated by ICSL or reported in the Human Gene Mutation Database (HGMD: prior to June 1st, 2018), and was therefore a candidate for classification through an automated scoring system. Utilizing variant allele frequency, disease prevalence and penetrance estimates, and inheritance mode, an automated score was calculated to assess if this variant is too frequent to cause the disease. Based on the score and internal cut-off values, a variant classified as likely benign is not then subjected to further curation. The score for this variant resulted in a classification of likely benign for this disease.

NM_198904.4(GABRG2):c.*1518A>G

Gene: GABRG2 (gamma-aminobutyric acid type A receptor subunit gamma2; plus strand). Cytogenetic location: 5q34.
Variant type: single nucleotide variant.
Coding change: c.*1518A>G on transcript NM_198904.4 (MANE Select); 1518 bases downstream of the stop codon, A replaced by G.
Molecular consequence: 3 prime UTR variant.
Genome position (GRCh38, 1-based): chr5:162,154,886, A>G. VCF-style: chr5-162154886-A-G. GRCh37 (hg19) VCF-style: chr5-161581892-A-G.
Other names: c.*1518A>G (NM_000816.3, NM_001375339.1, NM_001375341.1 and 10 more transcripts); c.*1780A>G (NM_001375340.1).
Identifiers: ClinVar variation 352664 (VCV000352664.5), dbSNP rs567153845, ClinGen allele CA10619937.